The following is an entry in ClinVar:

NM_001394062.1(MACF1):c.1914+5G>A

Gene: MACF1 (microtubule actin crosslinking factor 1; plus strand). Cytogenetic location: 1p34.3.
Variant type: single nucleotide variant.
Coding change: c.1914+5G>A on transcript NM_001394062.1 (MANE Select); 5 bases into the intron after coding-DNA position 1914, G replaced by A.
Molecular consequence: intron variant.
Genome position (GRCh38, 1-based): chr1:39,292,043, G>A. VCF-style: chr1-39292043-G-A. GRCh37 (hg19) VCF-style: chr1-39757715-G-A.
Other names: c.1929+5G>A (NM_012090.5).
Identifiers: ClinVar variation 3697353 (VCV003697353.2).
Genomic context (GRCh38, chr1:39,292,043, plus strand): 5'-TCCATACGAGTGTAGAAGAGCTGGGCTCAAGTGTCAAGGAGGCCAGGTTGTATGAGGTGC[G>A]TAGCCTTCAGAATCCACATTACAGGAGGGACGTGGTTGGAACGGATGAAAGGACAGTACA-3'

ClinVar aggregate classification (germline): Uncertain significance (1 of 4 stars; one submission).

gnomAD v4.1: 7 of 1,613,284 alleles (0.00043%); highest among the groups gnomAD compares: Admixed American, 0.0017%; no homozygotes.

Submission:

Labcorp Genetics (formerly Invitae), Labcorp
Classification: Uncertain significance. Last evaluated: 2024-04-09. Review status: criteria provided, single submitter. Criteria: Invitae Variant Classification Sherloc (09022015). Collection method: clinical testing. Allele origin: germline.
Comment: This sequence change falls in intron 15 of the MACF1 gene. It does not directly change the encoded amino acid sequence of the MACF1 protein. It affects a nucleotide within the consensus splice site. This variant is present in population databases (rs774214586, gnomAD 0.003%). This variant has not been reported in the literature in individuals affected with MACF1-related conditions. Variants that disrupt the consensus splice site are a relatively common cause of aberrant splicing (PMID: 17576681, 9536098). Algorithms developed to predict the effect of sequence changes on RNA splicing suggest that this variant may disrupt the consensus splice site. In summary, the available evidence is currently insufficient to determine the role of this variant in disease. Therefore, it has been classified as a Variant of Uncertain Significance.

Literature cited by the submitters: PubMed 17576681; PubMed 9536098.